The following is an entry in ClinVar:

ClinVar aggregate classification (germline): Uncertain significance (1 of 4 stars; one submission).

Allele frequency attached by ClinVar (database versions not stated): ExAC 0.00001; gnomAD 0.00001; gnomAD exomes 0.00001; TOPMed 0.00001; ESP Exome Variant Server 0.00008.

Submission:

Labcorp Genetics (formerly Invitae), Labcorp
Classification: Uncertain significance. Last evaluated: 2021-08-26. Review status: criteria provided, single submitter. Criteria: Invitae Variant Classification Sherloc (09022015). Collection method: clinical testing. Allele origin: germline.
Comment: This sequence change replaces arginine with cysteine at codon 151 of the ARSG protein (p.Arg151Cys). The arginine residue is highly conserved and there is a large physicochemical difference between arginine and cysteine. This variant is present in population databases (rs139304852, ExAC 0.001%). This variant has not been reported in the literature in individuals affected with ARSG-related conditions. Algorithms developed to predict the effect of missense changes on protein structure and function are either unavailable or do not agree on the potential impact of this missense change (SIFT: "Deleterious"; PolyPhen-2: "Probably Damaging"; Align-GVGD: "Class C0"). In summary, the available evidence is currently insufficient to determine the role of this variant in disease. Therefore, it has been classified as a Variant of Uncertain Significance.

NM_001267727.2(ARSG):c.451C>T (p.Arg151Cys)

Gene: ARSG (arylsulfatase G; plus strand). Cytogenetic location: 17q24.2.
Variant type: single nucleotide variant.
Coding change: c.451C>T on transcript NM_001267727.2 (MANE Select); coding-DNA position 451, C replaced by T.
Protein change: p.Arg151Cys; replaces arginine 151 with cysteine.
Molecular consequence: missense variant. On other transcripts: intron variant (1).
Genome position (GRCh38, 1-based): chr17:68,347,169, C>T. VCF-style: chr17-68347169-C-T. GRCh37 (hg19) VCF-style: chr17-66343310-C-T.
Other names: c.451C>T, p.Arg151Cys (NM_001352899.2, NM_001352900.2, NM_001352901.2 and 8 more transcripts); c.406+3378C>T (NM_001352909.2); short protein forms R151C.
Identifiers: ClinVar variation 1002589 (VCV001002589.6), dbSNP rs139304852, ClinGen allele CA8728225.